The following is an entry in ClinVar:

ClinVar aggregate classification (germline): Uncertain significance (1 of 4 stars; one submission).

Conditions:
Leber congenital amaurosis 8 (LCA8). Identifiers: Orphanet 65, MedGen C3151202, MONDO:0013453, OMIM 613835.
Retinitis pigmentosa 12 (RP12). Also called: RP WITH OR WITHOUT PPRPE; RP WITH OR WITHOUT PRESERVED PARAARTERIOLE RETINAL PIGMENT EPITHELIUM; RETINITIS PIGMENTOSA WITH OR WITHOUT PARAARTERIOLAR PRESERVATION OF RETINAL PIGMENT EPITHELIUM. Identifiers: Orphanet 791, MedGen C1838647, MONDO:0010818, OMIM 600105.

Submission:

Labcorp Genetics (formerly Invitae), Labcorp
Classification: Uncertain significance for Leber congenital amaurosis 8; Retinitis pigmentosa 12. Last evaluated: 2022-09-01. Review status: criteria provided, single submitter. Criteria: Invitae Variant Classification Sherloc (09022015). Collection method: clinical testing. Allele origin: germline.
Comment: This missense change has been observed in individual(s) with retinitis pigmentosa (Invitae). In summary, the available evidence is currently insufficient to determine the role of this variant in disease. Therefore, it has been classified as a Variant of Uncertain Significance. Algorithms developed to predict the effect of missense changes on protein structure and function are either unavailable or do not agree on the potential impact of this missense change (SIFT: "Deleterious"; PolyPhen-2: "Benign"; Align-GVGD: "Class C15"). ClinVar contains an entry for this variant (Variation ID: 1462130). This variant is not present in population databases (gnomAD no frequency). This sequence change replaces phenylalanine, which is neutral and non-polar, with leucine, which is neutral and non-polar, at codon 963 of the CRB1 protein (p.Phe963Leu).

NM_201253.3(CRB1):c.2889C>G (p.Phe963Leu)

Gene: CRB1 (crumbs cell polarity complex component 1; plus strand). Cytogenetic location: 1q31.3.
Variant type: single nucleotide variant.
Coding change: c.2889C>G on transcript NM_201253.3 (MANE Select); coding-DNA position 2889, C replaced by G.
Protein change: p.Phe963Leu; replaces phenylalanine 963 with leucine.
Molecular consequence: missense variant. On other transcripts: non-coding transcript variant (2), intron variant (1).
Genome position (GRCh38, 1-based): chr1:197,434,752, C>G. VCF-style: chr1-197434752-C-G. GRCh37 (hg19) VCF-style: chr1-197403882-C-G.
Other names: c.2553C>G, p.Phe851Leu (NM_001193640.2); c.2817C>G, p.Phe939Leu (NM_001257965.2); c.2129-848C>G (NM_001257966.2); short protein forms F939L, F851L, F963L.
Identifiers: ClinVar variation 1462130 (VCV001462130.6), dbSNP rs905306614, ClinGen allele CA344043264.